The following is an entry in ClinVar:

NM_014915.3(ANKRD26):c.4237C>G (p.Leu1413Val)

Gene: ANKRD26 (ankyrin repeat domain 26; minus strand). Cytogenetic location: 10p12.1.
Variant type: single nucleotide variant.
Coding change: c.4237C>G on transcript NM_014915.3 (MANE Select); coding-DNA position 4237, C replaced by G.
Protein change: p.Leu1413Val; replaces leucine 1413 with valine.
Molecular consequence: missense variant.
Genome position (GRCh38, 1-based): chr10:27,017,771, G>C on the plus strand (C>G on the coding strand, the complement: ANKRD26 is on the minus strand). VCF-style: chr10-27017771-G-C. GRCh37 (hg19) VCF-style: chr10-27306700-G-C.
Other names: c.4234C>G, p.Leu1412Val (NM_001256053.2); short protein forms L1412V, L1413V.
Identifiers: ClinVar variation 5023604 (VCV005023604.1).

ClinVar aggregate classification (germline): Uncertain significance (1 of 4 stars; one submission).

Conditions:
Inborn genetic diseases. Identifiers: MedGen C0950123, MeSH D030342.

gnomAD v4.1: 1 of 1,612,564 alleles (0.000062%); highest among the groups gnomAD compares: Non-Finnish European, 0.000085%; no homozygotes.

Submission:

Ambry Genetics
Classification: Uncertain significance for Inborn genetic diseases. Last evaluated: 2026-08-20. Review status: criteria provided, single submitter. Criteria: Ambry Variant Classification Scheme 2023. Collection method: clinical testing. Allele origin: germline.
Comment: The p.L1413V variant (also known as c.4237C>G), located in coding exon 30 of the ANKRD26 gene, results from a C to G substitution at nucleotide position 4237. The leucine at codon 1413 is replaced by valine, an amino acid with highly similar properties. This amino acid position is conserved. In addition, this alteration is predicted to be tolerated by in silico analysis. Based on the available evidence, the clinical significance of this variant remains unclear.